The following is an entry in ClinVar:

ClinVar aggregate classification (germline): Likely pathogenic (1 of 4 stars; one submission).

Conditions:
Progressive myoclonic epilepsy type 3. Also called: EPILEPSY, PROGRESSIVE MYOCLONIC, 3, WITH OR WITHOUT INTRACELLULAR INCLUSIONS; CEROID LIPOFUSCINOSIS, NEURONAL, 14; KCTD7-Related Progressive Myoclonic Epilepsy; EPILEPSY, PROGRESSIVE MYOCLONIC, 3, WITHOUT INTRACELLULAR INCLUSIONS. Identifiers: Orphanet 263516, MedGen C2673257, MONDO:0012721, OMIM 611726.

Allele frequency attached by ClinVar (database versions not stated): gnomAD exomes below 0.00001.
gnomAD v4.1: 1 of 1,614,118 alleles (0.000062%); highest among the groups gnomAD compares: Non-Finnish European, 0.000085%; no homozygotes.

Submission:

Labcorp Genetics (formerly Invitae), Labcorp
Classification: Likely pathogenic for Progressive myoclonic epilepsy type 3. Last evaluated: 2018-01-24. Review status: criteria provided, single submitter. Criteria: Invitae Variant Classification Sherloc (09022015). Collection method: clinical testing. Allele origin: germline.
Comment: This variant has not been reported in the literature in individuals with KCTD7-related disease. This variant is not present in population databases (ExAC no frequency). This sequence change affects a donor splice site in intron 2 of the KCTD7 gene. It is expected to disrupt RNA splicing and likely results in an absent or disrupted protein product. Algorithms developed to predict the effect of sequence changes on RNA splicing suggest that this variant may disrupt the consensus splice site, but this prediction has not been confirmed by published transcriptional studies. In summary, the currently available evidence indicates that the variant is pathogenic, but additional data are needed to prove that conclusively. Therefore, this variant has been classified as Likely Pathogenic. Donor and acceptor splice site variants typically lead to a loss of protein function (PMID: 16199547), and loss-of-function variants in KCTD7 are known to be pathogenic (PMID: 22693283).

Literature cited by the submitters: PubMed 16199547; PubMed 22693283.

NM_153033.5(KCTD7):c.314+1G>A

Gene: KCTD7 (potassium channel tetramerization domain containing 7; plus strand). Cytogenetic location: 7q11.21.
Variant type: single nucleotide variant.
Coding change: c.314+1G>A on transcript NM_153033.5 (MANE Select); the canonical splice donor site of the intron after coding-DNA position 314, G replaced by A.
Molecular consequence: splice donor variant.
Genome position (GRCh38, 1-based): chr7:66,633,445, G>A. VCF-style: chr7-66633445-G-A. GRCh37 (hg19) VCF-style: chr7-66098432-G-A.
Other names: c.314+1G>A (NM_001167961.2).
Identifiers: ClinVar variation 536951 (VCV000536951.7), dbSNP rs1554397834, ClinGen allele CA367695788.